The following is an entry in ClinVar:

NM_000807.4(GABRA2):c.1060-5644A>G

Gene: GABRA2 (gamma-aminobutyric acid type A receptor subunit alpha2; minus strand). Cytogenetic location: 4p12.
Variant type: single nucleotide variant.
Coding change: c.1060-5644A>G on transcript NM_000807.4 (MANE Select); 5644 bases into the intron before coding-DNA position 1060, A replaced by G.
Molecular consequence: intron variant. On other transcripts: missense variant (4).
Genome position (GRCh38, 1-based): chr4:46,256,248, T>C on the plus strand (A>G on the coding strand, the complement: GABRA2 is on the minus strand). VCF-style: chr4-46256248-T-C. GRCh37 (hg19) VCF-style: chr4-46258265-T-C.
Other names: c.895-5644A>G (NM_001377153.1, NM_001377154.1, NM_001377152.1); c.1060-5644A>G (NM_001377149.1, NM_001114175.3, NM_001377151.1 and 4 more transcripts); c.1021A>G, p.Thr341Ala (NM_001286827.3); c.1186A>G, p.Thr396Ala (NM_001330690.2, NM_001377144.1, NM_001377145.1); short protein forms T341A, T396A.
Identifiers: ClinVar variation 3368904 (VCV003368904.3).

ClinVar aggregate classification (germline): Uncertain significance. Review status: criteria provided, multiple submitters, no conflicts (2 of 4 stars). 2 submissions from 2 submitters: Uncertain significance (2). Last evaluated 2024-08-24.

gnomAD v4.1: 5 of 695,572 alleles (0.00072%); highest among the groups gnomAD compares: South Asian, 0.006%; no homozygotes.

Submissions (2):

Labcorp Genetics (formerly Invitae), Labcorp
Classification: Uncertain significance. Last evaluated: 2024-08-24. Review status: criteria provided, single submitter. Criteria: Invitae Variant Classification Sherloc (09022015). Collection method: clinical testing. Allele origin: germline.
Comment: This sequence change replaces threonine, which is neutral and polar, with alanine, which is neutral and non-polar, at codon 396 of the GABRA2 protein (p.Thr396Ala). This variant is not present in population databases (gnomAD no frequency). This variant has not been reported in the literature in individuals affected with GABRA2-related conditions. An algorithm developed to predict the effect of missense changes on protein structure and function (PolyPhen-2) suggests that this variant is likely to be tolerated. In summary, the available evidence is currently insufficient to determine the role of this variant in disease. Therefore, it has been classified as a Variant of Uncertain Significance.

GeneDx
Classification: Uncertain significance. Last evaluated: 2024-02-08. Review status: criteria provided, single submitter. Criteria: GeneDx Variant Classification Process June 2021. Collection method: clinical testing. Allele origin: germline. Affected: yes.
Comment: Not observed at significant frequency in large population cohorts (gnomAD); In silico analysis supports that this variant does not alter splicing; Has not been previously published as pathogenic or benign to our knowledge